The following is an entry in ClinVar:

ClinVar aggregate classification (germline): Conflicting classifications of pathogenicity. Review status: criteria provided, conflicting classifications (1 of 4 stars). 2 submissions from 2 submitters: Uncertain significance (1); Likely benign (1). Last evaluated 2024-06-25.

Conditions:
Congenital myotonia, autosomal recessive form. Also called: Becker Generalized Myotonia; BECKER DISEASE; myotonia congenita, autosomal recessive. Identifiers: Orphanet 614, MedGen C0751360, MONDO:0009715, OMIM 255700.
Congenital myotonia, autosomal dominant form (THD). Also called: THOMSEN DISEASE; Myotonia congenita autosomal dominant. Identifiers: Orphanet 614, MedGen C2936781, MONDO:0008055, OMIM 160800.

Submissions (2):

Blueprint Genetics
Classification: Likely benign. Last evaluated: 2024-06-25. Review status: criteria provided, single submitter. Criteria: ACMG Guidelines, 2015. Collection method: clinical testing. Allele origin: germline.

Labcorp Genetics (formerly Invitae), Labcorp
Classification: Uncertain significance for Congenital myotonia, autosomal recessive form; Congenital myotonia, autosomal dominant form. Last evaluated: 2021-12-18. Review status: criteria provided, single submitter. Criteria: Invitae Variant Classification Sherloc (09022015). Collection method: clinical testing. Allele origin: germline.
Comment: This sequence change affects codon 525 of the CLCN1 mRNA. It is a 'silent' change, meaning that it does not change the encoded amino acid sequence of the CLCN1 protein. This variant is not present in population databases (gnomAD no frequency). This variant has not been reported in the literature in individuals affected with CLCN1-related conditions. ClinVar contains an entry for this variant (Variation ID: 940105). Algorithms developed to predict the effect of sequence changes on RNA splicing suggest that this variant may create or strengthen a splice site. In summary, the available evidence is currently insufficient to determine the role of this variant in disease. Therefore, it has been classified as a Variant of Uncertain Significance.

NM_000083.3(CLCN1):c.1575A>G (p.Ala525=)

Gene: CLCN1 (chloride voltage-gated channel 1; plus strand). Cytogenetic location: 7q34.
Variant type: single nucleotide variant.
Coding change: c.1575A>G on transcript NM_000083.3 (MANE Select); coding-DNA position 1575, A replaced by G.
Protein change: p.Ala525=; no amino-acid change (alanine 525 retained).
Molecular consequence: synonymous variant. On other transcripts: non-coding transcript variant (1).
Genome position (GRCh38, 1-based): chr7:143,339,614, A>G. VCF-style: chr7-143339614-A-G. GRCh37 (hg19) VCF-style: chr7-143036707-A-G.
Identifiers: ClinVar variation 940105 (VCV000940105.8), dbSNP rs1332372122, ClinGen allele CA458282987.
Genomic context (GRCh38, chr7:143,339,614, plus strand): 5'-CTTTCCTGATGGTATTTTGTTTGATGACATCATCTACAAGATCCTACCTGGGGGCTATGC[A>G]GTAATTGGTGAGAAACATTCCCACTTCCCTGTAATCAAACATTGAGTACTTCAGATCCCC-3'
Protein context (NP_000074.3, residues 515-535): IIYKILPGGY[Ala525=]VIGAAALTGA